The following is an entry in ClinVar:

NM_000257.4(MYH7):c.2958T>A (p.Asp986Glu)

Gene: MYH7 (myosin heavy chain 7; minus strand). Cytogenetic location: 14q11.2.
Variant type: single nucleotide variant.
Coding change: c.2958T>A on transcript NM_000257.4 (MANE Select); coding-DNA position 2958, T replaced by A.
Protein change: p.Asp986Glu; replaces aspartic acid 986 with glutamic acid.
Molecular consequence: missense variant.
Genome position (GRCh38, 1-based): chr14:23,423,688, A>T on the plus strand (T>A on the coding strand, the complement: MYH7 is on the minus strand). VCF-style: chr14-23423688-A-T. GRCh37 (hg19) VCF-style: chr14-23892897-A-T.
Other names: c.2958T>A, p.Asp986Glu (NM_001407004.1); short protein forms D986E.
Identifiers: ClinVar variation 3387323 (VCV003387323.3).

ClinVar aggregate classification (germline): Uncertain significance. Review status: criteria provided, multiple submitters, no conflicts (2 of 4 stars). 2 submissions from 2 submitters: Uncertain significance (2). Last evaluated 2024-11-12.

Conditions:
Cardiomyopathy (CMYO). Also called: Cardiomyopathies. Identifiers: Orphanet 167848, MedGen C0878544, MONDO:0004994, HP:0001638. Inheritance: Various modes of inheritance.
Hypertrophic cardiomyopathy. Also called: HYPERTROPHIC MYOCARDIOPATHY. Identifiers: Orphanet 217569, MedGen C0007194, MeSH D002312, MONDO:0005045, HP:0001639.

Submissions (2):

Labcorp Genetics (formerly Invitae), Labcorp
Classification: Uncertain significance for Hypertrophic cardiomyopathy. Last evaluated: 2024-11-12. Review status: criteria provided, single submitter. Criteria: Invitae Variant Classification Sherloc (09022015). Collection method: clinical testing. Allele origin: germline.
Comment: This sequence change replaces aspartic acid, which is acidic and polar, with glutamic acid, which is acidic and polar, at codon 986 of the MYH7 protein (p.Asp986Glu). This variant is not present in population databases (gnomAD no frequency). This variant has not been reported in the literature in individuals affected with MYH7-related conditions. Invitae Evidence Modeling of protein sequence and biophysical properties (such as structural, functional, and spatial information, amino acid conservation, physicochemical variation, residue mobility, and thermodynamic stability) has been performed for this missense variant. However, the output from this modeling did not meet the statistical confidence thresholds required to predict the impact of this variant on MYH7 protein function. In summary, the available evidence is currently insufficient to determine the role of this variant in disease. Therefore, it has been classified as a Variant of Uncertain Significance.

All of Us Research Program, National Institutes of Health
Classification: Uncertain significance for Cardiomyopathy. Last evaluated: 2024-03-24. Review status: criteria provided, single submitter. Criteria: ACMG Guidelines, 2015. Collection method: clinical testing. Allele origin: germline. Inheritance: Autosomal dominant inheritance. Observed: 1 variant allele, 1 heterozygote.
Comment: This missense variant replaces aspartic acid with glutamic acid at codon 986 of the MYH7 protein. Computational prediction tools indicate that this variant's impact on protein structure and function is inconclusive. To our knowledge, functional studies have not been reported for this variant. This variant has not been reported in individuals affected with MYH7-related disorders in the literature. This variant has not been identified in the general population by the Genome Aggregation Database (gnomAD). The available evidence is insufficient to determine the role of this variant in disease conclusively. Therefore, this variant is classified as a Variant of Uncertain Significance.

This study involves interpretation of variants in research participants for the purpose of population health screening. Participant phenotype was not available at the time of variant classification. Additional details can be found in publication PMID: 35346344, PMCID: PMC8962531